The following is an entry in ClinVar:

NM_002778.4(PSAP):c.649A>T (p.Thr217Ser)

Gene: PSAP (prosaposin; minus strand). Cytogenetic location: 10q22.1.
Variant type: single nucleotide variant.
Coding change: c.649A>T on transcript NM_002778.4 (MANE Select); coding-DNA position 649, A replaced by T.
Protein change: p.Thr217Ser; replaces threonine 217 with serine.
Molecular consequence: missense variant.
Genome position (GRCh38, 1-based): chr10:71,828,085, T>A on the plus strand (A>T on the coding strand, the complement: PSAP is on the minus strand). VCF-style: chr10-71828085-T-A. GRCh37 (hg19) VCF-style: chr10-73587842-T-A.
Other names: c.649A>T, p.Thr217Ser (NM_001042465.3, NM_001042466.3); short protein forms T217S.
Identifiers: ClinVar variation 3392746 (VCV003392746.1).

ClinVar aggregate classification (germline): Uncertain significance (1 of 4 stars; one submission).

Submission:

GeneDx
Classification: Uncertain significance. Last evaluated: 2024-06-27. Review status: criteria provided, single submitter. Criteria: GeneDx Variant Classification Process June 2021. Collection method: clinical testing. Allele origin: germline. Affected: yes.
Comment: Not observed at significant frequency in large population cohorts (gnomAD); In silico analysis indicates that this missense variant does not alter protein structure/function; Has not been previously published as pathogenic or benign to our knowledge